The following is an entry in ClinVar:

ClinVar aggregate classification (germline): Uncertain significance (1 of 4 stars; one submission).

Conditions:
Cardiovascular phenotype. Identifiers: MedGen CN230736.

Allele frequency attached by ClinVar (database versions not stated): ExAC 0.00002; ESP Exome Variant Server 0.00008.
gnomAD v4.1: 13 of 1,613,410 alleles (0.00081%); highest among the groups gnomAD compares: African/African-American, 0.011%; no homozygotes.

Submission:

Ambry Genetics
Classification: Uncertain significance for Cardiovascular phenotype. Last evaluated: 2020-03-18. Review status: criteria provided, single submitter. Criteria: Ambry Variant Classification Scheme 2023. Collection method: clinical testing. Allele origin: germline.
Comment: The p.I18979V variant (also known as c.56935A>G), located in coding exon 153 of the TTN gene, results from an A to G substitution at nucleotide position 56935. The isoleucine at codon 18979 is replaced by valine, an amino acid with highly similar properties. This amino acid position is poorly conserved in available vertebrate species. In addition, this alteration is predicted to be tolerated by in silico analysis. Since supporting evidence is limited at this time, the clinical significance of this alteration remains unclear.

NM_001267550.2(TTN):c.84130A>G (p.Ile28044Val)

Genes: TTN-AS1 (TTN antisense RNA 1; plus strand), TTN (titin; minus strand). Cytogenetic location: 2q31.2.
Variant type: single nucleotide variant.
Coding change: c.84130A>G on transcript NM_001267550.2 (MANE Select); coding-DNA position 84130, A replaced by G.
Protein change: p.Ile28044Val; replaces isoleucine 28044 with valine.
Molecular consequence: missense variant.
Genome position (GRCh38, 1-based): chr2:178,562,002, T>C on the plus strand (A>G on the coding strand, the complement: TTN is on the minus strand). VCF-style: chr2-178562002-T-C. GRCh37 (hg19) VCF-style: chr2-179426729-T-C.
Other names: c.79207A>G, p.Ile26403Val (NM_001256850.1); c.56935A>G, p.Ile18979Val (NM_003319.4); c.76426A>G, p.Ile25476Val (NM_133378.4); c.57310A>G, p.Ile19104Val (NM_133432.3); c.57511A>G, p.Ile19171Val (NM_133437.4); short protein forms I18979V, I26403V, I19171V, I28044V, I19104V, I25476V.
Identifiers: ClinVar variation 1749092 (VCV001749092.2), dbSNP rs369062122, ClinGen allele CA1988824.